The following is an entry in ClinVar:

NM_006648.4(WNK2):c.5621A>C (p.His1874Pro)

Gene: WNK2 (WNK lysine deficient protein kinase 2; plus strand). Cytogenetic location: 9q22.31.
Variant type: single nucleotide variant.
Coding change: c.5621A>C on transcript NM_006648.4 (MANE Select); coding-DNA position 5621, A replaced by C.
Protein change: p.His1874Pro; replaces histidine 1874 with proline.
Molecular consequence: missense variant.
Genome position (GRCh38, 1-based): chr9:93,293,086, A>C. VCF-style: chr9-93293086-A-C. GRCh37 (hg19) VCF-style: chr9-96055368-A-C.
Other names: c.5732A>C, p.His1911Pro (NM_001282394.3); short protein forms H1911P, H1874P.
Identifiers: ClinVar variation 3817162 (VCV003817162.1).

ClinVar aggregate classification (germline): Uncertain significance (1 of 4 stars; one submission).

gnomAD v4.1: 1 of 1,608,194 alleles (0.000062%); highest among the groups gnomAD compares: Non-Finnish European, 0.000085%; no homozygotes.

Submission:

Ambry Genetics
Classification: Uncertain significance. Last evaluated: 2025-02-26. Review status: criteria provided, single submitter. Criteria: Ambry Variant Classification Scheme 2023. Collection method: clinical testing. Allele origin: germline.
Comment: The p.H1874P variant (also known as c.5621A>C), located in coding exon 22 of the WNK2 gene, results from an A to C substitution at nucleotide position 5621. The histidine at codon 1874 is replaced by proline, an amino acid with similar properties. This amino acid position is conserved. In addition, this alteration is predicted to be deleterious by in silico analysis. Based on the available evidence, the clinical significance of this variant remains unclear.